The following is an entry in ClinVar:

ClinVar aggregate classification (germline): Uncertain significance (1 of 4 stars; one submission).

Conditions:
Hereditary cancer-predisposing syndrome. Also called: Tumor predisposition; Hereditary neoplastic syndrome; Neoplastic Syndromes, Hereditary; Hereditary Cancer Syndrome. Identifiers: Orphanet 140162, MedGen C0027672, MeSH D009386, MONDO:0015356.

Submission:

Ambry Genetics
Classification: Uncertain significance for Hereditary cancer-predisposing syndrome. Last evaluated: 2025-06-02. Review status: criteria provided, single submitter. Criteria: Ambry Variant Classification Scheme 2023. Collection method: clinical testing. Allele origin: germline.
Comment: The p.I724S variant (also known as c.2171T>G), located in coding exon 14 of the BRIP1 gene, results from a T to G substitution at nucleotide position 2171. The isoleucine at codon 724 is replaced by serine, an amino acid with dissimilar properties. This amino acid position is conserved. In addition, this alteration is predicted to be deleterious by in silico analysis. Based on the available evidence, the clinical significance of this variant remains unclear.

NM_032043.3(BRIP1):c.2171T>G (p.Ile724Ser)

Gene: BRIP1 (BRCA1 interacting DNA helicase 1; minus strand). Cytogenetic location: 17q23.2.
Variant type: single nucleotide variant.
Coding change: c.2171T>G on transcript NM_032043.3 (MANE Select); coding-DNA position 2171, T replaced by G.
Protein change: p.Ile724Ser; replaces isoleucine 724 with serine.
Molecular consequence: missense variant.
Genome position (GRCh38, 1-based): chr17:61,744,518, A>C on the plus strand (T>G on the coding strand, the complement: BRIP1 is on the minus strand). VCF-style: chr17-61744518-A-C. GRCh37 (hg19) VCF-style: chr17-59821879-A-C.
Other names: short protein forms I724S.
Identifiers: ClinVar variation 3993164 (VCV003993164.1).